The following is an entry in ClinVar:

NM_001348768.2(HECW2):c.2926T>C (p.Phe976Leu)

Gene: HECW2 (HECT, C2 and WW domain containing E3 ubiquitin protein ligase 2; minus strand). Cytogenetic location: 2q32.3.
Variant type: single nucleotide variant.
Coding change: c.2926T>C on transcript NM_001348768.2 (MANE Select); coding-DNA position 2926, T replaced by C.
Protein change: p.Phe976Leu; replaces phenylalanine 976 with leucine.
Molecular consequence: missense variant.
Genome position (GRCh38, 1-based): chr2:196,292,639, A>G on the plus strand (T>C on the coding strand, the complement: HECW2 is on the minus strand). VCF-style: chr2-196292639-A-G. GRCh37 (hg19) VCF-style: chr2-197157363-A-G.
Other names: c.1858T>C, p.Phe620Leu (NM_001304840.3); c.2926T>C, p.Phe976Leu (NM_020760.4); short protein forms F620L, F976L.
Identifiers: ClinVar variation 1704858 (VCV001704858.2), dbSNP rs2468925189, ClinGen allele CA349959821.

ClinVar aggregate classification (germline): Uncertain significance (1 of 4 stars; one submission).

Submission:

GeneDx
Classification: Uncertain significance. Last evaluated: 2022-03-11. Review status: criteria provided, single submitter. Criteria: GeneDx Variant Classification Process June 2021. Collection method: clinical testing. Allele origin: germline. Affected: yes.
Comment: Not observed at significant frequency in large population cohorts (gnomAD); In silico analysis supports that this missense variant has a deleterious effect on protein structure/function; Has not been previously published as pathogenic or benign to our knowledge